The following is an entry in ClinVar:

ClinVar aggregate classification (germline): Uncertain significance (1 of 4 stars; one submission).

Conditions:
FG syndrome (FGS). Identifiers: MedGen C0220769, MONDO:0002010.

Submission:

Labcorp Genetics (formerly Invitae), Labcorp
Classification: Uncertain significance for FG syndrome. Last evaluated: 2025-02-12. Review status: criteria provided, single submitter. Criteria: Invitae Variant Classification Sherloc (09022015). Collection method: clinical testing. Allele origin: germline.
Comment: This sequence change replaces threonine, which is neutral and polar, with alanine, which is neutral and non-polar, at codon 236 of the MED12 protein (p.Thr236Ala). This variant is not present in population databases (gnomAD no frequency). This variant has not been reported in the literature in individuals affected with MED12-related conditions. ClinVar contains an entry for this variant (Variation ID: 1485825). Invitae Evidence Modeling of protein sequence and biophysical properties (such as structural, functional, and spatial information, amino acid conservation, physicochemical variation, residue mobility, and thermodynamic stability) indicates that this missense variant is not expected to disrupt MED12 protein function with a negative predictive value of 95%. In summary, the available evidence is currently insufficient to determine the role of this variant in disease. Therefore, it has been classified as a Variant of Uncertain Significance.

NM_005120.3(MED12):c.706A>G (p.Thr236Ala)

Gene: MED12 (mediator complex subunit 12; plus strand). Cytogenetic location: Xq13.1.
Variant type: single nucleotide variant.
Coding change: c.706A>G on transcript NM_005120.3 (MANE Select); coding-DNA position 706, A replaced by G.
Protein change: p.Thr236Ala; replaces threonine 236 with alanine.
Molecular consequence: missense variant.
Genome position (GRCh38, 1-based): chrX:71,121,123, A>G. VCF-style: chrX-71121123-A-G. GRCh37 (hg19) VCF-style: chrX-70340973-A-G.
Other names: short protein forms T236A.
Identifiers: ClinVar variation 1485825 (VCV001485825.6), dbSNP rs2147777907, ClinGen allele CA413501079.